The following is an entry in ClinVar:

NM_004329.3(BMPR1A):c.1535T>C (p.Leu512Pro)

Gene: BMPR1A (bone morphogenetic protein receptor type 1A; plus strand). Cytogenetic location: 10q23.2.
Variant type: single nucleotide variant.
Coding change: c.1535T>C on transcript NM_004329.3 (MANE Select); coding-DNA position 1535, T replaced by C.
Protein change: p.Leu512Pro; replaces leucine 512 with proline.
Molecular consequence: missense variant.
Genome position (GRCh38, 1-based): chr10:86,923,655, T>C. VCF-style: chr10-86923655-T-C. GRCh37 (hg19) VCF-style: chr10-88683412-T-C.
Other names: short protein forms L512P.
Identifiers: ClinVar variation 631107 (VCV000631107.5), dbSNP rs1564725819, ClinGen allele CA377463875.

ClinVar aggregate classification (germline): Uncertain significance (1 of 4 stars; one submission).

Conditions:
Hereditary cancer-predisposing syndrome. Also called: Tumor predisposition; Neoplastic Syndromes, Hereditary; Hereditary neoplastic syndrome; Hereditary Cancer Syndrome. Identifiers: Orphanet 140162, MedGen C0027672, MeSH D009386, MONDO:0015356.

Allele frequency attached by ClinVar (database versions not stated): gnomAD exomes below 0.00001.

Submission:

Color Diagnostics, LLC DBA Color Health
Classification: Uncertain significance for Hereditary cancer-predisposing syndrome. Last evaluated: 2024-03-06. Review status: criteria provided, single submitter. Criteria: ACMG Guidelines, 2015. Collection method: clinical testing. Allele origin: germline.
Comment: This missense variant replaces leucine with proline at codon 512 of the BMPR1A protein. Computational prediction suggests that this variant may have deleterious impact on protein structure and function (internally defined REVEL score threshold >= 0.7, PMID: 27666373). To our knowledge, functional studies have not been reported for this variant. This variant has not been reported in individuals affected with BMPR1A-related disorders in the literature. This variant has not been identified in the general population by the Genome Aggregation Database (gnomAD). The available evidence is insufficient to determine the role of this variant in disease conclusively. Therefore, this variant is classified as a Variant of Uncertain Significance.